The following is an entry in ClinVar:

NM_000026.4(ADSL):c.1346dup (p.Thr450fs)

Gene: ADSL (adenylosuccinate lyase; plus strand). Cytogenetic location: 22q13.1.
Variant type: Duplication.
Coding change: c.1346dup on transcript NM_000026.4 (MANE Select); coding-DNA position 1346, one base duplicated (T; older notation c.1346dupT).
Protein change: p.Thr450fs; shifts the reading frame from threonine 450.
Molecular consequence: frameshift variant. On other transcripts: non-coding transcript variant (1), intron variant (2).
Genome position (GRCh38, 1-based): chr22:40,365,034, T duplicated; the last of 3 consecutive T bases (chr22:40,365,032-40,365,034); duplicating any one gives the same sequence. VCF-style (leftmost placement, unchanged base first): chr22-40365031-C-CT. GRCh37 (hg19) VCF-style: chr22-40761035-C-CT.
Other names: c.1154dup, p.Thr386fs (NM_001317923.2); c.1346dup, p.Thr450fs (NM_001363840.3, NM_001410812.1); c.1301dup, p.Thr435fs (NM_001410814.1); c.1191+669dup (NM_001123378.3, NM_001410816.1); short protein forms T386fs, T435fs, T450fs.
Identifiers: ClinVar variation 2752273 (VCV002752273.3), dbSNP rs2518130804, ClinGen allele CA2697552775.

ClinVar aggregate classification (germline): Pathogenic (1 of 4 stars; one submission).

Conditions:
Adenylosuccinate lyase deficiency (ADSLD). Also called: ADSL DEFICIENCY. Identifiers: Orphanet 46, MedGen C0268126, MONDO:0007068, OMIM 103050.

Submission:

Labcorp Genetics (formerly Invitae), Labcorp
Classification: Pathogenic for Adenylosuccinate lyase deficiency. Last evaluated: 2023-08-14. Review status: criteria provided, single submitter. Criteria: Invitae Variant Classification Sherloc (09022015). Collection method: clinical testing. Allele origin: germline.
Comment: This variant disrupts a region of the ADSL protein in which other variant(s) (p.Arg452Pro) have been determined to be pathogenic (PMID: 12368987). This suggests that this is a clinically significant region of the protein, and that variants that disrupt it are likely to be disease-causing. This variant has not been reported in the literature in individuals affected with ADSL-related conditions. This variant is not present in population databases (gnomAD no frequency). For these reasons, this variant has been classified as Pathogenic. This sequence change creates a premature translational stop signal (p.Thr450Hisfs*24) in the ADSL gene. While this is not anticipated to result in nonsense mediated decay, it is expected to disrupt the last 35 amino acid(s) of the ADSL protein.

Literature cited by the submitters: PubMed 12368987.